The following is an entry in ClinVar:

ClinVar aggregate classification (germline): Pathogenic (0 of 4 stars; one submission).

Conditions:
Yunis-Varon syndrome (YVS). Also called: Cleidocranial dysplasia, micrognathia, absent thumbs, & distal aphalangia. Identifiers: Orphanet 3472, MedGen C1857663, MONDO:0008995, OMIM 216340.

gnomAD v4.1: 1 of 1,612,244 alleles (0.000062%); highest among the groups gnomAD compares: South Asian, 0.0011%; no homozygotes.

Submission:

Hong-Tao Li Lab, Institute of Brain Science and Brain-inspired Research, Shandong First Medical University & Shandong Academy of Medical Sciences China
Classification: Pathogenic for Yunis-Varon syndrome. Review status: no assertion criteria provided. Collection method: research. Allele origin: germline. Inheritance: Autosomal recessive inheritance. Affected: yes. Observed: 1 variant allele, 1 homozygote.
Comment: Observed in affected individuals from a Pakistani neurodevelopmental-disorder research cohort of 263 individuals. Classification assigned using the ACMG/AMP framework.

NM_014845.6(FIG4):c.775+1G>A

Gene: FIG4 (FIG4 phosphoinositide 5-phosphatase; plus strand). Cytogenetic location: 6q21.
Variant type: single nucleotide variant.
Coding change: c.775+1G>A on transcript NM_014845.6 (MANE Select); the canonical splice donor site of the intron after coding-DNA position 775, G replaced by A.
Molecular consequence: splice donor variant.
Genome position (GRCh38, 1-based): chr6:109,738,454, G>A. VCF-style: chr6-109738454-G-A. GRCh37 (hg19) VCF-style: chr6-110059657-G-A.
Identifiers: ClinVar variation 4884855 (VCV004884855.1).
Genomic context (GRCh38, chr6:109,738,454, plus strand): 5'-AAAGTACTGTGCATCGTGACTGGCTTTTGTATATTATTCATGGGTTCTGTGGGCAGTCAA[G>A]TATCCTTTCTGAAGAAAAAGTAAGATACATATTACTAAACTTATGATGTATCAATTTGTA-3'